The following is an entry in ClinVar:

NM_003846.3(PEX11B):c.104A>G (p.His35Arg)

Gene: PEX11B (peroxisomal biogenesis factor 11 beta; minus strand). Cytogenetic location: 1q21.1.
Variant type: single nucleotide variant.
Coding change: c.104A>G on transcript NM_003846.3 (MANE Select); coding-DNA position 104, A replaced by G.
Protein change: p.His35Arg; replaces histidine 35 with arginine.
Molecular consequence: missense variant. On other transcripts: non-coding transcript variant (3).
Genome position (GRCh38, 1-based): chr1:145,917,769, T>C on the plus strand (A>G on the coding strand, the complement: PEX11B is on the minus strand). VCF-style: chr1-145917769-T-C. GRCh37 (hg19) VCF-style: chr1-145517320-A-G.
Other names: c.62A>G, p.His21Arg (NM_001184795.1); short protein forms H21R, H35R.
Identifiers: ClinVar variation 1176202 (VCV001176202.40), dbSNP rs782268243, ClinGen allele CA1055506.

ClinVar aggregate classification (germline): Conflicting classifications of pathogenicity. Review status: criteria provided, conflicting classifications (1 of 4 stars). 3 submissions from 3 submitters: Uncertain significance (2); Likely benign (1). Last evaluated 2024-04-05.

Allele frequency attached by ClinVar (database versions not stated): gnomAD 0.00001; gnomAD exomes 0.00001 and 0.00002; ExAC 0.00003; TOPMed 0.00004.
gnomAD v4.1: 18 of 1,613,864 alleles (0.0011%); highest among the groups gnomAD compares: South Asian, 0.0022%; no homozygotes.

Submissions (3):

Labcorp Genetics (formerly Invitae), Labcorp
Classification: Uncertain significance. Last evaluated: 2024-04-05. Review status: criteria provided, single submitter. Criteria: Invitae Variant Classification Sherloc (09022015). Collection method: clinical testing. Allele origin: germline.
Comment: This sequence change replaces histidine, which is basic and polar, with arginine, which is basic and polar, at codon 35 of the PEX11B protein (p.His35Arg). This variant is present in population databases (rs782268243, gnomAD 0.006%). This variant has not been reported in the literature in individuals affected with PEX11B-related conditions. ClinVar contains an entry for this variant (Variation ID: 1176202). Algorithms developed to predict the effect of missense changes on protein structure and function output the following: SIFT: "Not Available"; PolyPhen-2: "Benign"; Align-GVGD: "Not Available". The arginine amino acid residue is found in multiple mammalian species, which suggests that this missense change does not adversely affect protein function. In summary, the available evidence is currently insufficient to determine the role of this variant in disease. Therefore, it has been classified as a Variant of Uncertain Significance.

Blueprint Genetics
Classification: Likely benign. Last evaluated: 2022-11-15. Review status: criteria provided, single submitter. Criteria: ACMG Guidelines, 2015. Collection method: clinical testing. Allele origin: germline.

CeGaT Center for Human Genetics Tuebingen
Classification: Uncertain significance. Last evaluated: 2021-06-01. Review status: criteria provided, single submitter. Criteria: CeGaT Center For Human Genetics Tuebingen Variant Classification Criteria Version 2. Collection method: clinical testing. Allele origin: germline. Affected: yes. Observed: 1 variant allele.